The following is an entry in ClinVar:

ClinVar aggregate classification (germline): Uncertain significance (1 of 4 stars; one submission).

Conditions:
Muscular dystrophy-dystroglycanopathy (congenital with impaired intellectual development), type B, 1. Also called: Muscular dystrophy-dystroglycanopathy (congenital with intellectual disability), type B1; MUSCULAR DYSTROPHY, CONGENITAL, POMT1-RELATED. Identifiers: MedGen C5436962, MONDO:0013159, OMIM 613155.
Walker-Warburg congenital muscular dystrophy. Also called: Muscular dystrophy-dystroglycanopathy, type A; Walker-Warburg syndrome. Identifiers: Orphanet 899, MedGen C0265221, MONDO:0000171.
Autosomal recessive limb-girdle muscular dystrophy type 2K. Also called: MUSCULAR DYSTROPHY-DYSTROGLYCANOPATHY (LIMB-GIRDLE), TYPE C, 1; MUSCULAR DYSTROPHY, LIMB-GIRDLE, TYPE 2K. Identifiers: Orphanet 86812, MedGen C1836373, MONDO:0012248, OMIM 609308.

Allele frequency attached by ClinVar (database versions not stated): gnomAD 0.00002; TOPMed 0.00002; ESP Exome Variant Server 0.00008.
gnomAD v4.1: 24 of 1,613,350 alleles (0.0015%); highest among the groups gnomAD compares: Admixed American, 0.0017%; no homozygotes.

Submission:

Labcorp Genetics (formerly Invitae), Labcorp
Classification: Uncertain significance for Muscular dystrophy-dystroglycanopathy (congenital with impaired intellectual development), type B, 1; Walker-Warburg congenital muscular dystrophy; Autosomal recessive limb-girdle muscular dystrophy type 2K. Last evaluated: 2022-03-17. Review status: criteria provided, single submitter. Criteria: Invitae Variant Classification Sherloc (09022015). Collection method: clinical testing. Allele origin: germline.
Comment: This sequence change affects codon 516 of the POMT1 mRNA. It is a 'silent' change, meaning that it does not change the encoded amino acid sequence of the POMT1 protein. This variant is present in population databases (rs377422156, gnomAD 0.008%). This variant has not been reported in the literature in individuals affected with POMT1-related conditions. Algorithms developed to predict the effect of sequence changes on RNA splicing suggest that this variant may create or strengthen a splice site. In summary, the available evidence is currently insufficient to determine the role of this variant in disease. Therefore, it has been classified as a Variant of Uncertain Significance.

NM_001077365.2(POMT1):c.1482C>T (p.Gly494=)

Gene: POMT1 (protein O-mannosyltransferase 1; plus strand). Cytogenetic location: 9q34.13.
Variant type: single nucleotide variant.
Coding change: c.1482C>T on transcript NM_001077365.2 (MANE Select); coding-DNA position 1482, C replaced by T.
Protein change: p.Gly494=; no amino-acid change (glycine 494 retained).
Molecular consequence: synonymous variant. On other transcripts: non-coding transcript variant (10), intron variant (1).
Genome position (GRCh38, 1-based): chr9:131,518,953, C>T. VCF-style: chr9-131518953-C-T. GRCh37 (hg19) VCF-style: chr9-134394340-C-T.
Other names: c.1320C>T, p.Gly440= (NM_001077366.2, NM_001353194.2); c.1482C>T, p.Gly494= (NM_001136113.2); c.1131C>T, p.Gly377= (NM_001136114.2, NM_001353195.2, NM_001374691.1 and 2 more transcripts); c.1548C>T, p.Gly516= (NM_001353193.2, NM_007171.4); c.1392C>T, p.Gly464= (NM_001353196.2); c.1386C>T, p.Gly462= (NM_001353197.2, NM_001353198.2); c.1197C>T, p.Gly399= (NM_001353199.2); c.1026C>T, p.Gly342= (NM_001353200.2); and 4 more.
Identifiers: ClinVar variation 2050744 (VCV002050744.1), dbSNP rs377422156, ClinGen allele CA5293708.
Genomic context (GRCh38, chr9:131,518,953, plus strand): 5'-GAAGCTGTCCCGGGGCTACCACGGGAGCACGGTGTGGAACGTGGAGGAGCACCGATACGG[C>T]GCGAGTGAGTCCGCGGCGTGGCTTCCGCCGCTCCTGGAATGTACTTTCAGCTGCTCAATA-3'
Protein context (NP_001070833.1, residues 484-504): TVWNVEEHRY[Gly494=]ASQEQRERER